The following is an entry in ClinVar:

ClinVar aggregate classification (germline): Conflicting classifications of pathogenicity. Review status: criteria provided, conflicting classifications (1 of 4 stars). 15 submissions from 15 submitters: Uncertain significance (8); Benign (1); Likely benign (5). 1 of the submissions does not count toward it. Last evaluated 2026-01-31.

Conditions:
MSH6-related disorder. Also called: MSH6-related condition; MSH6-Related disorders.
Hereditary nonpolyposis colorectal neoplasms. Identifiers: MedGen C0009405, MeSH D003123.
Hereditary cancer-predisposing syndrome. Also called: Hereditary Cancer Syndrome; Tumor predisposition; Neoplastic Syndromes, Hereditary; Hereditary neoplastic syndrome. Identifiers: Orphanet 140162, MedGen C0027672, MeSH D009386, MONDO:0015356.
Hereditary breast ovarian cancer syndrome. Also called: Hereditary breast and ovarian cancer syndrome; Hereditary breast and/or ovarian cancer syndrome; Hereditary breast and ovarian cancer; Hereditary breast and ovarian cancer syndrome (HBOC); Breast and ovarian cancer; BRCA1- and BRCA2-Associated Hereditary Breast and Ovarian Cancer. Identifiers: Orphanet 145, MedGen C0677776, MeSH D061325, MONDO:0003582. Disease mechanism: loss of function.
Lynch syndrome. Identifiers: Orphanet 144, MedGen C4552100, MONDO:0005835. Disease mechanism: loss of function.
Lynch syndrome 5 (LYNCH5). Also called: Hereditary non-polyposis colorectal cancer, type 5; Colorectal cancer, hereditary nonpolyposis, type 5. Identifiers: Orphanet 144, MedGen C1833477, MONDO:0013710, OMIM 614350. Disease mechanism: loss of function.
Carcinoma of colon (CRC). Also called: Colonic carcinoma; Colon carcinoma. Identifiers: MedGen C0699790, MONDO:0002032.

Allele frequency attached by ClinVar (database versions not stated): ExAC 0.00006; TOPMed 0.00006; gnomAD 0.00008; gnomAD exomes 0.00008.
gnomAD v4.1: 164 of 1,614,046 alleles (0.01%); highest among the groups gnomAD compares: Non-Finnish European, 0.01%; no homozygotes.

Submissions 1 to 11 of 15:

Labcorp Genetics (formerly Invitae), Labcorp
Classification: Likely benign for Hereditary nonpolyposis colorectal neoplasms. Last evaluated: 2026-01-31. Review status: criteria provided, single submitter. Criteria: Invitae Variant Classification Sherloc (09022015). Collection method: clinical testing. Allele origin: germline.

PreventionGenetics, part of Exact Sciences
Classification: Likely benign for MSH6-related condition. Last evaluated: 2026-01-07. Review status: criteria provided, single submitter. Criteria: ACMG Guidelines, 2015. Collection method: clinical testing. Allele origin: germline.
Comment: This variant is classified as likely benign based on ACMG/AMP sequence variant interpretation guidelines (Richards et al. 2015 PMID: 25741868, with internal and published modifications).

Center for Genomic Medicine, Rigshospitalet, Copenhagen University Hospital
Classification: Uncertain significance. Last evaluated: 2025-12-29. Review status: criteria provided, single submitter. Criteria: ACMG Guidelines, 2015. Collection method: clinical testing. Allele origin: germline.
Comment: Classification criteria: BP4

Ambry Genetics
Classification: Benign for Hereditary cancer-predisposing syndrome. Last evaluated: 2025-12-19. Review status: criteria provided, single submitter. Criteria: Ambry Variant Classification Scheme 2023. Collection method: clinical testing. Allele origin: germline.

Quest Diagnostics Nichols Institute San Juan Capistrano
Classification: Uncertain significance. Last evaluated: 2025-04-17. Review status: criteria provided, single submitter. Criteria: Quest Diagnostics criteria. Collection method: clinical testing. Allele origin: unknown.
Comment: The MSH6 c.1474A>G (p.Met492Val) variant has been reported in individuals with Lynch syndrome (PMID: 22495361 (2012), 18566915 (2009), 12658575 (2003)), suspected Lynch syndrome (PMIDs: 31391288 (2020), 35430768 (2022), 36793599 (2023)), ovarian cancer (PMID: 23047549 (2012)), and pancreatic cancer (PMID: 28767289 (2017)). This variant has also been observed in individuals with breast cancer and reportedly unaffected individuals in a case-control study (PMID: 33471991 (2021), see LOVD). In vitro functional studies indicate this variant causes a minor reduction in DNA mismatch repair activity without any mRNA splicing defects (PMID: 22102614 (2012), 32849802 (2020)). The frequency of this variant in the general population (Genome Aggregation Database) is higher than would generally be expected for pathogenic variants in this gene. Analysis of this variant using bioinformatics tools for the prediction of the effect of amino acid changes on protein structure and function yielded predictions that this variant is damaging. Based on the available information, we are unable to determine the clinical significance of this variant.

Myriad Genetics, Inc.
Classification: Likely benign for Lynch syndrome 5. Last evaluated: 2024-12-26. Review status: criteria provided, single submitter. Criteria: Myriad Autosomal Dominant, Autosomal Recessive and X-Linked Classification Criteria (2023). Collection method: clinical testing. Allele origin: unknown.
Comment: This variant is considered likely benign. This variant is strongly associated with less severe personal and family histories of cancer, typical for individuals without pathogenic variants in this gene [PMID: 27363726].

Blueprint Genetics
Classification: Uncertain significance. Last evaluated: 2024-08-28. Review status: criteria provided, single submitter. Criteria: ACMG Guidelines, 2015. Collection method: clinical testing. Allele origin: germline.

German Consortium for Hereditary Breast and Ovarian Cancer, University Hospital Cologne
Classification: Likely benign for Hereditary breast ovarian cancer syndrome. Last evaluated: 2024-07-09. Review status: criteria provided, single submitter. Criteria: ACMG Guidelines, 2015. Collection method: curation. Allele origin: germline.
Comment: This classification follows the ACMG SVI adaptation classification scheme; We chose these criteria: BP4 (supporting benign): priors 0,1, BS3 (strong benign): well-established assay in human cell extracts at 37degree, team experienced (Drost, 2012, HumMutat)

All of Us Research Program, National Institutes of Health
Classification: Uncertain significance for Lynch syndrome. Last evaluated: 2024-04-16. Review status: criteria provided, single submitter. Criteria: ACMG Guidelines, 2015. Collection method: clinical testing. Allele origin: germline. Inheritance: Autosomal dominant inheritance. Observed: 14 variant alleles, 14 heterozygotes.
Comment: This missense variant replaces methionine with valine at codon 492 of the MSH6 protein. Computational prediction suggests that this variant may have deleterious impact on protein structure and function (internally defined REVEL score threshold >= 0.7, PMID: 27666373). A functional study has shown that this variant does not affect MSH6 mismatch repair activity (PMID: 22102614). This variant has been reported in individuals with Lynch syndrome (PMID: 12658575, 18566915, 22495361), in an individual affected with ovarian cancer (PMID: 23047549), and in an individual affected with pancreatic neuroendocrine tumor (PMID: 28767289). This variant occurs at an elevated frequency in the general population and has been identified in 23/282572 chromosomes by the Genome Aggregation Database (gnomAD). The available evidence is insufficient to determine the role of this variant in disease conclusively. Therefore, this variant is classified as a Variant of Uncertain Significance.

This study involves interpretation of variants in research participants for the purpose of population health screening. Participant phenotype was not available at the time of variant classification. Additional details can be found in publication PMID: 35346344, PMCID: PMC8962531

Color Diagnostics, LLC DBA Color Health
Classification: Uncertain significance for Hereditary cancer-predisposing syndrome. Last evaluated: 2024-03-28. Review status: criteria provided, single submitter. Criteria: ACMG Guidelines, 2015. Collection method: clinical testing. Allele origin: germline.
Comment: This missense variant replaces methionine with valine at codon 492 of the MSH6 protein. Computational prediction suggests that this variant may have deleterious impact on protein structure and function (internally defined REVEL score threshold >= 0.7, PMID: 27666373). A functional study has shown that this variant does not affect MSH6 mismatch repair activity (PMID: 22102614). This variant has been reported in individuals with Lynch syndrome (PMID: 12658575, 18566915, 22495361), in an individual affected with ovarian cancer (PMID: 23047549), and in an individual affected with pancreatic neuroendocrine tumor (PMID: 28767289). This variant occurs at an elevated frequency in the general population and has been identified in 23/282572 chromosomes by the Genome Aggregation Database (gnomAD). The available evidence is insufficient to determine the role of this variant in disease conclusively. Therefore, this variant is classified as a Variant of Uncertain Significance.

GeneDx
Classification: Uncertain significance. Last evaluated: 2024-03-26. Review status: criteria provided, single submitter. Criteria: GeneDx Variant Classification Process June 2021. Collection method: clinical testing. Allele origin: germline. Affected: yes.
Comment: In silico analysis supports that this missense variant has a deleterious effect on protein structure/function; Published functional studies suggest no damaging effect: mismatch repair activity comparable to wild-type (PMID: 22102614); Identified in individuals with Lynch syndrome-associated and other cancers (PMID: 12658575, 18566915, 22495361, 23047549, 28767289, 29684080, 35430768); This variant is associated with the following publications: (PMID: 23047549, 26333163, 23621914, 12658575, 18566915, 22495361, 28767289, 29684080, 29899834, 31391288, 31422818, 33471991, 17531815, 21120944, 36793599, 36865205, 35430768, 22102614)

NM_000179.3(MSH6):c.1474A>G (p.Met492Val)

Gene: MSH6 (mutS homolog 6; plus strand). Cytogenetic location: 2p16.3.
Variant type: single nucleotide variant.
Coding change: c.1474A>G on transcript NM_000179.3 (MANE Select); coding-DNA position 1474, A replaced by G.
Protein change: p.Met492Val; replaces methionine 492 with valine.
Molecular consequence: missense variant.
Genome position (GRCh38, 1-based): chr2:47,799,457, A>G. VCF-style: chr2-47799457-A-G. GRCh37 (hg19) VCF-style: chr2-48026596-A-G.
Other names: p.M492V:ATG>GTG; c.1084A>G, p.Met362Val (NM_001281492.2); c.568A>G, p.Met190Val (NM_001281493.2, NM_001281494.2); short protein forms M492V, M362V, M190V.
Identifiers: ClinVar variation 89195 (VCV000089195.48), dbSNP rs61754783, ClinGen allele CA008673.